The following is an entry in ClinVar:

NM_001369268.1(ACAN):c.1288G>A (p.Ala430Thr)

Gene: ACAN (aggrecan; plus strand). Cytogenetic location: 15q26.1.
Variant type: single nucleotide variant.
Coding change: c.1288G>A on transcript NM_001369268.1 (MANE Select); coding-DNA position 1288, G replaced by A.
Protein change: p.Ala430Thr; replaces alanine 430 with threonine.
Molecular consequence: missense variant.
Genome position (GRCh38, 1-based): chr15:88,845,741, G>A. VCF-style: chr15-88845741-G-A. GRCh37 (hg19) VCF-style: chr15-89388972-G-A.
Other names: c.1288G>A, p.Ala430Thr (NM_001135.4, NM_013227.4); short protein forms A430T.
Identifiers: ClinVar variation 1431588 (VCV001431588.6), dbSNP rs367659235, ClinGen allele CA7719516.
Genomic context (GRCh38, chr15:88,845,741, plus strand): 5'-AGTCCCCTGGAACCCGAGGAGCCCTTCACGTTTGCCCCTGAAATAGGGGCCACTGCCTTC[G>A]CTGAGGTTGAGAATGAGACTGGAGAGGCCACCAGGCCCTGGGGCTTTCCCACACCTGGCC-3'
Protein context (NP_001356197.1, residues 420-440): FAPEIGATAF[Ala430Thr]EVENETGEAT

ClinVar aggregate classification (germline): Uncertain significance (1 of 4 stars; one submission).

Allele frequency attached by ClinVar (database versions not stated): ESP Exome Variant Server 0.00016.

Submission:

Labcorp Genetics (formerly Invitae), Labcorp
Classification: Uncertain significance. Last evaluated: 2024-09-22. Review status: criteria provided, single submitter. Criteria: Invitae Variant Classification Sherloc (09022015). Collection method: clinical testing. Allele origin: germline.
Comment: This sequence change replaces alanine, which is neutral and non-polar, with threonine, which is neutral and polar, at codon 430 of the ACAN protein (p.Ala430Thr). This variant is present in population databases (rs367659235, gnomAD 0.03%). This variant has not been reported in the literature in individuals affected with ACAN-related conditions. ClinVar contains an entry for this variant (Variation ID: 1431588). Invitae Evidence Modeling of protein sequence and biophysical properties (such as structural, functional, and spatial information, amino acid conservation, physicochemical variation, residue mobility, and thermodynamic stability) indicates that this missense variant is not expected to disrupt ACAN protein function with a negative predictive value of 80%. In summary, the available evidence is currently insufficient to determine the role of this variant in disease. Therefore, it has been classified as a Variant of Uncertain Significance.